The following is an entry in ClinVar:

NM_001129820.2(SLFN14):c.2506dup (p.Met836fs)

Gene: SLFN14 (schlafen family member 14; minus strand). Cytogenetic location: 17q12.
Variant type: Duplication.
Coding change: c.2506dup on transcript NM_001129820.2 (MANE Select); coding-DNA position 2506, one base duplicated (A; older notation c.2506dupA).
Protein change: p.Met836fs; shifts the reading frame from methionine 836.
Molecular consequence: frameshift variant.
Genome position (GRCh38, 1-based): chr17:35,548,472, T duplicated on the plus strand (A on the coding strand, the reverse complement: SLFN14 is on the minus strand); the first of 2 consecutive T bases (chr17:35,548,472-35,548,473); duplicating either gives the same sequence. VCF-style (leftmost placement, unchanged base first): chr17-35548471-A-AT. GRCh37 (hg19) VCF-style: chr17-33875490-A-AT.
Other names: short protein forms M836fs.
Identifiers: ClinVar variation 3361779 (VCV003361779.1).

ClinVar aggregate classification (germline): Uncertain significance (1 of 4 stars; one submission).

Submission:

GeneDx
Classification: Uncertain significance. Last evaluated: 2023-08-02. Review status: criteria provided, single submitter. Criteria: GeneDx Variant Classification Process June 2021. Collection method: clinical testing. Allele origin: germline. Affected: yes.
Comment: Frameshift variant predicted to result in protein truncation, as the last 77 amino acids are replaced with 4 different amino acids in a gene for which loss-of-function is not a known mechanism of disease; Not observed at significant frequency in large population cohorts (gnomAD); Has not been previously published as pathogenic or benign to our knowledge